The following is an entry in ClinVar:

ClinVar aggregate classification (germline): Likely benign (1 of 4 stars; one submission).

Conditions:
LRRC45-related disorder. Also called: LRRC45-related condition.

gnomAD v4.1: 5 of 1,612,480 alleles (0.00031%); highest among the groups gnomAD compares: Middle Eastern, 0.066%; no homozygotes.

Submission:

PreventionGenetics, part of Exact Sciences
Classification: Likely benign for LRRC45-related condition. Last evaluated: 2025-07-03. Review status: criteria provided, single submitter. Criteria: ACMG Guidelines, 2015. Collection method: clinical testing. Allele origin: germline.
Comment: This variant is classified as likely benign based on ACMG/AMP sequence variant interpretation guidelines (Richards et al. 2015 PMID: 25741868, with internal and published modifications).

NM_144999.4(LRRC45):c.777C>T (p.Phe259=)

Gene: LRRC45 (leucine rich repeat containing 45; plus strand). Cytogenetic location: 17q25.3.
Variant type: single nucleotide variant.
Coding change: c.777C>T on transcript NM_144999.4 (MANE Select); coding-DNA position 777, C replaced by T.
Protein change: p.Phe259=; no amino-acid change (phenylalanine 259 retained).
Molecular consequence: synonymous variant.
Genome position (GRCh38, 1-based): chr17:82,027,388, C>T. VCF-style: chr17-82027388-C-T. GRCh37 (hg19) VCF-style: chr17-79985264-C-T.
Identifiers: ClinVar variation 4983029 (VCV004983029.1).